The following is an entry in ClinVar:

NM_031220.4(PITPNM3):c.*2336A>G

Gene: PITPNM3 (PITPNM family member 3; minus strand). Cytogenetic location: 17p13.2.
Variant type: single nucleotide variant.
Coding change: c.*2336A>G on transcript NM_031220.4 (MANE Select); 2336 bases downstream of the stop codon, A replaced by G.
Molecular consequence: 3 prime UTR variant.
Genome position (GRCh38, 1-based): chr17:6,453,002, T>C on the plus strand (A>G on the coding strand, the complement: PITPNM3 is on the minus strand). VCF-style: chr17-6453002-T-C. GRCh37 (hg19) VCF-style: chr17-6356322-T-C.
Other names: c.*2336A>G (NM_001165966.2).
Identifiers: ClinVar variation 324700 (VCV000324700.5), dbSNP rs74390995, ClinGen allele CA10649892.

ClinVar aggregate classification (germline): Benign (1 of 4 stars; one submission).

Conditions:
Cone-rod dystrophy 5 (CORD5). Identifiers: Orphanet 1872, MedGen C1832976, MONDO:0010969, OMIM 600977.

Allele frequency attached by ClinVar (database versions not stated): gnomAD 0.00113 and 0.00116; 1000 Genomes Project 0.35104.

Submission:

Illumina Laboratory Services, Illumina
Classification: Benign for Cone-rod dystrophy 5. Last evaluated: 2018-01-13. Review status: criteria provided, single submitter. Criteria: ICSL Variant Classification Criteria 13 December 2019. Collection method: clinical testing. Allele origin: germline.
Comment: This variant was observed in the ICSL laboratory as part of a predisposition screen in an ostensibly healthy population. It had not been previously curated by ICSL or reported in the Human Gene Mutation Database (HGMD: prior to June 1st, 2018), and was therefore a candidate for classification through an automated scoring system. Utilizing variant allele frequency, disease prevalence and penetrance estimates, and inheritance mode, an automated score was calculated to assess if this variant is too frequent to cause the disease. Based on the score and internal cut-off values, a variant classified as benign is not then subjected to further curation. The score for this variant resulted in a classification of benign for this disease.